The following is an entry in ClinVar:

NM_004656.4(BAP1):c.441C>T (p.Pro147=)

Gene: BAP1 (BRCA1 associated deubiquitinase 1; minus strand). Cytogenetic location: 3p21.1.
Variant type: single nucleotide variant.
Coding change: c.441C>T on transcript NM_004656.4 (MANE Select); coding-DNA position 441, C replaced by T.
Protein change: p.Pro147=; no amino-acid change (proline 147 retained).
Molecular consequence: synonymous variant.
Genome position (GRCh38, 1-based): chr3:52,407,313, G>A on the plus strand (C>T on the coding strand, the complement: BAP1 is on the minus strand). VCF-style: chr3-52407313-G-A. GRCh37 (hg19) VCF-style: chr3-52441329-G-A.
Other names: c.441C>T (LRG_529t1).
Identifiers: ClinVar variation 485273 (VCV000485273.21), dbSNP rs768015706, ClinGen allele CA2437065.

ClinVar aggregate classification (germline): Benign/Likely benign. Review status: criteria provided, multiple submitters, no conflicts (2 of 4 stars). 7 submissions from 7 submitters: Benign (2); Likely benign (5). Last evaluated 2026-01-09.

Conditions:
BAP1-related disorder. Also called: BAP1-related condition.
Hereditary cancer-predisposing syndrome. Also called: Neoplastic Syndromes, Hereditary; Hereditary Cancer Syndrome; Tumor predisposition; Hereditary neoplastic syndrome. Identifiers: Orphanet 140162, MedGen C0027672, MeSH D009386, MONDO:0015356.
BAP1-related tumor predisposition syndrome (TPDS1). Also called: Tumor susceptibility linked to germline BAP1 mutations; COMMON Syndrome; BAP1 tumor predisposition syndrome; TUMOR PREDISPOSITION SYNDROME 1. Identifiers: Orphanet 289539, MedGen C3280492, MONDO:0013692, OMIM 614327.

Allele frequency attached by ClinVar (database versions not stated): gnomAD exomes 0.00001 and 0.00002.
gnomAD v4.1: 15 of 1,613,990 alleles (0.00093%); highest among the groups gnomAD compares: South Asian, 0.0088%; no homozygotes.

Submissions (7):

PreventionGenetics, part of Exact Sciences
Classification: Likely benign for BAP1-related condition. Last evaluated: 2026-01-09. Review status: criteria provided, single submitter. Criteria: ACMG Guidelines, 2015. Collection method: clinical testing. Allele origin: germline.
Comment: This variant is classified as likely benign based on ACMG/AMP sequence variant interpretation guidelines (Richards et al. 2015 PMID: 25741868, with internal and published modifications).

Labcorp Genetics (formerly Invitae), Labcorp
Classification: Likely benign for BAP1-related tumor predisposition syndrome. Last evaluated: 2025-11-26. Review status: criteria provided, single submitter. Criteria: Invitae Variant Classification Sherloc (09022015). Collection method: clinical testing. Allele origin: germline.

Quest Diagnostics Nichols Institute San Juan Capistrano
Classification: Likely benign. Last evaluated: 2025-06-25. Review status: criteria provided, single submitter. Criteria: Quest Diagnostics criteria. Collection method: clinical testing. Allele origin: unknown.

KCCC/NGS Laboratory, Kuwait Cancer Control Center
Classification: Benign for BAP1-related tumor predisposition syndrome. Last evaluated: 2025-02-01. Review status: criteria provided, single submitter. Criteria: ACMG Guidelines, 2015. Collection method: clinical testing. Allele origin: germline. Affected: no.

Myriad Genetics, Inc.
Classification: Benign for BAP1-related tumor predisposition syndrome. Last evaluated: 2024-07-12. Review status: criteria provided, single submitter. Criteria: Myriad Autosomal Dominant, Autosomal Recessive and X-Linked Classification Criteria (2023). Collection method: clinical testing. Allele origin: unknown.
Comment: This variant is considered benign. This variant is a silent/synonymous amino acid change and it is not expected to impact splicing.

Color Diagnostics, LLC DBA Color Health
Classification: Likely benign for Hereditary cancer-predisposing syndrome. Last evaluated: 2018-11-30. Review status: criteria provided, single submitter. Criteria: ACMG Guidelines, 2015. Collection method: clinical testing. Allele origin: germline.

Ambry Genetics
Classification: Likely benign for Hereditary cancer-predisposing syndrome. Last evaluated: 2016-02-03. Review status: criteria provided, single submitter. Criteria: Ambry Variant Classification Scheme 2023. Collection method: clinical testing. Allele origin: germline.